The following is an entry in ClinVar:

NM_007214.5(SEC63):c.*2811C>T

Gene: SEC63 (SEC63 homolog, protein translocation regulator; minus strand). Cytogenetic location: 6q21.
Variant type: single nucleotide variant.
Coding change: c.*2811C>T on transcript NM_007214.5 (MANE Select); 2811 bases downstream of the stop codon, C replaced by T.
Molecular consequence: 3 prime UTR variant.
Genome position (GRCh38, 1-based): chr6:107,868,893, G>A on the plus strand (C>T on the coding strand, the complement: SEC63 is on the minus strand). VCF-style: chr6-107868893-G-A. GRCh37 (hg19) VCF-style: chr6-108190097-G-A.
Identifiers: ClinVar variation 354840 (VCV000354840.5), dbSNP rs74799313, ClinGen allele CA10625577.
Genomic context (GRCh38, chr6:107,868,893, plus strand): 5'-CAGTAAATATGTGATGAATGACAACCTCTCAAAAATTATGTAAGGTGCTGAATTACATTT[G>A]AAATAAGAATTGTGACTACAGAACACTCTAGTATATGGTTTGGATTGGCTGAAGCAAACT-3'

ClinVar aggregate classification (germline): Benign (1 of 4 stars; one submission).

Conditions:
Polycystic liver disease 2 (PCLD2). Also called: Polycystic liver disease 2 with or without kidney cysts. Identifiers: Orphanet 2924, MedGen C4310769, MONDO:0014860, OMIM 617004.

Allele frequency attached by ClinVar (database versions not stated): gnomAD 0.03763 and 0.04057; 1000 Genomes Project 30x 0.04325; TOPMed 0.04341; 1000 Genomes Project 0.03954.

Submission:

Illumina Laboratory Services, Illumina
Classification: Benign for Polycystic liver disease 2. Last evaluated: 2018-01-13. Review status: criteria provided, single submitter. Criteria: ICSL Variant Classification Criteria 13 December 2019. Collection method: clinical testing. Allele origin: germline.
Comment: This variant was observed in the ICSL laboratory as part of a predisposition screen in an ostensibly healthy population. It had not been previously curated by ICSL or reported in the Human Gene Mutation Database (HGMD: prior to June 1st, 2018), and was therefore a candidate for classification through an automated scoring system. Utilizing variant allele frequency, disease prevalence and penetrance estimates, and inheritance mode, an automated score was calculated to assess if this variant is too frequent to cause the disease. Based on the score and internal cut-off values, a variant classified as benign is not then subjected to further curation. The score for this variant resulted in a classification of benign for this disease.